The following is an entry in ClinVar:

ClinVar aggregate classification (germline): Likely benign. Review status: criteria provided, multiple submitters, no conflicts (2 of 4 stars). 2 submissions from 2 submitters: Likely benign (2). Last evaluated 2026-08-01.

Conditions:
Gastrointestinal stromal tumor. Also called: Gastrointestinal stroma tumor; Gastrointestinal stromal tumor, somatic. Identifiers: Orphanet 44890, MedGen C0238198, MeSH D046152, MONDO:0011719, OMIM 606764, HP:0100723.

gnomAD v4.1: 2 of 1,614,194 alleles (0.00012%); highest among the groups gnomAD compares: African/African-American, 0.0027%; no homozygotes.

Submissions (2):

CeGaT Center for Human Genetics Tuebingen
Classification: Likely benign. Last evaluated: 2026-08-01. Review status: criteria provided, single submitter. Criteria: CeGaT Center For Human Genetics Tuebingen Variant Classification Criteria Version 2. Collection method: clinical testing. Allele origin: germline. Affected: yes. Observed: 1 variant allele.
Comment: KIT: BP4, BP7

Labcorp Genetics (formerly Invitae), Labcorp
Classification: Likely benign for Gastrointestinal stromal tumor. Last evaluated: 2023-08-14. Review status: criteria provided, single submitter. Criteria: Invitae Variant Classification Sherloc (09022015). Collection method: clinical testing. Allele origin: germline.

NM_000222.3(KIT):c.543G>A (p.Arg181=)

Gene: KIT (KIT proto-oncogene, receptor tyrosine kinase; plus strand). Cytogenetic location: 4q12.
Variant type: single nucleotide variant.
Coding change: c.543G>A on transcript NM_000222.3 (MANE Select); coding-DNA position 543, G replaced by A.
Protein change: p.Arg181=; no amino-acid change (arginine 181 retained).
Molecular consequence: synonymous variant.
Genome position (GRCh38, 1-based): chr4:54,698,489, G>A. VCF-style: chr4-54698489-G-A. GRCh37 (hg19) VCF-style: chr4-55564655-G-A.
Other names: c.543G>A, p.Arg181= (NM_001093772.2, NM_001385284.1, NM_001385285.1 and 4 more transcripts).
Identifiers: ClinVar variation 3016544 (VCV003016544.4), dbSNP rs746419269, ClinGen allele CA439409310.
Genomic context (GRCh38, chr4:54,698,489, plus strand): 5'-GTTTATTCCTGACCCCAAGGCGGGCATCATGATCAAAAGTGTGAAACGCGCCTACCATCG[G>A]CTCTGTCTGCATTGTTCTGTGGACCAGGAGGGCAAGTCAGTGCTGTCGGAAAAATTCATC-3'
Protein context (NP_000213.1, residues 171-191): MIKSVKRAYH[Arg181=]LCLHCSVDQE